The following is an entry in ClinVar:

ClinVar aggregate classification (germline): Uncertain significance (1 of 4 stars; one submission).

Conditions:
Neuropathy, hereditary sensory and autonomic, type 2A (HSAN2A). Also called: ACROOSTEOLYSIS, GIACCAI TYPE; ACROOSTEOLYSIS, NEUROGENIC; MORVAN DISEASE; NEUROPATHY, CONGENITAL SENSORY; NEUROPATHY, HEREDITARY SENSORY RADICULAR, AUTOSOMAL RECESSIVE; NEUROPATHY, HEREDITARY SENSORY, TYPE IIA. Identifiers: Orphanet 970, MedGen C2752089, MONDO:0024309, OMIM 201300.
Pseudohypoaldosteronism type 2C (PHA2C). Also called: Pseudohypoaldosteronism Type IIC. Identifiers: Orphanet 757, Orphanet 88940, MedGen C1840391, MONDO:0013778, OMIM 614492.

Allele frequency attached by ClinVar (database versions not stated): gnomAD exomes below 0.00001.
gnomAD v4.1: 3 of 1,613,936 alleles (0.00019%); highest among the groups gnomAD compares: Non-Finnish European, 0.00025%; no homozygotes.

Submission:

Labcorp Genetics (formerly Invitae), Labcorp
Classification: Uncertain significance for Neuropathy, hereditary sensory and autonomic, type 2A; Pseudohypoaldosteronism type 2C. Last evaluated: 2023-05-11. Review status: criteria provided, single submitter. Criteria: Invitae Variant Classification Sherloc (09022015). Collection method: clinical testing. Allele origin: germline.
Comment: In summary, the available evidence is currently insufficient to determine the role of this variant in disease. Therefore, it has been classified as a Variant of Uncertain Significance. Advanced modeling of protein sequence and biophysical properties (such as structural, functional, and spatial information, amino acid conservation, physicochemical variation, residue mobility, and thermodynamic stability) performed at Invitae indicates that this missense variant is not expected to disrupt WNK1 protein function. This variant has not been reported in the literature in individuals affected with WNK1-related conditions. This variant is not present in population databases (gnomAD no frequency). This sequence change replaces valine, which is neutral and non-polar, with isoleucine, which is neutral and non-polar, at codon 903 of the WNK1 protein (p.Val903Ile).

NM_213655.5(WNK1):c.2707G>A (p.Val903Ile)

Gene: WNK1 (WNK lysine deficient protein kinase 1; plus strand). Cytogenetic location: 12p13.33.
Variant type: single nucleotide variant.
Coding change: c.2707G>A on transcript NM_213655.5 (MANE Plus Clinical); coding-DNA position 2707, G replaced by A.
Protein change: p.Val903Ile; replaces valine 903 with isoleucine.
Molecular consequence: missense variant. On other transcripts: intron variant (2).
Genome position (GRCh38, 1-based): chr12:868,178, G>A. VCF-style: chr12-868178-G-A. GRCh37 (hg19) VCF-style: chr12-977344-G-A.
Other names: c.2452G>A, p.Val818Ile (NM_001184985.2); c.2140-3087G>A (NM_018979.4, NM_014823.3); short protein forms V818I, V903I.
Identifiers: ClinVar variation 2934761 (VCV002934761.3), dbSNP rs1565547940, ClinGen allele CA383339446.
Genomic context (GRCh38, chr12:868,178, plus strand): 5'-GCCGTAGTTATGTTGGGTACTACAGCCAGTAGAGTAACTGGAGAGTCATGTGAGATACAG[G>A]TCCATCCTATGTTTGAACCATCTCAAGTTTACAGTGACTATAGACCTGGACTAGTACTTC-3'
Protein context (NP_998820.3, residues 893-913): RVTGESCEIQ[Val903Ile]HPMFEPSQVY